The following is an entry in ClinVar:

NM_001040142.2(SCN2A):c.3558A>G (p.Ile1186Met)

Gene: SCN2A (sodium voltage-gated channel alpha subunit 2; plus strand). Cytogenetic location: 2q24.3.
Variant type: single nucleotide variant.
Coding change: c.3558A>G on transcript NM_001040142.2 (MANE Select); coding-DNA position 3558, A replaced by G.
Protein change: p.Ile1186Met; replaces isoleucine 1186 with methionine.
Molecular consequence: missense variant.
Genome position (GRCh38, 1-based): chr2:165,367,254, A>G. VCF-style: chr2-165367254-A-G. GRCh37 (hg19) VCF-style: chr2-166223764-A-G.
Other names: c.3558A>G, p.Ile1186Met (NM_001040143.2, NM_001371246.1, NM_001371247.1 and 1 more transcripts); short protein forms I1186M.
Identifiers: ClinVar variation 1320428 (VCV001320428.8), dbSNP rs2105359590, ClinGen allele CA349025870.

ClinVar aggregate classification (germline): Uncertain significance. Review status: criteria provided, multiple submitters, no conflicts (2 of 4 stars). 2 submissions from 2 submitters: Uncertain significance (2). Last evaluated 2023-08-24.

Conditions:
Developmental and epileptic encephalopathy, 11 (DEE11). Also called: Early infantile epileptic encephalopathy 11. Identifiers: Orphanet 1934, MedGen C3150987, MONDO:0013388, OMIM 613721.
Seizures, benign familial infantile, 3 (BFIS3). Also called: CONVULSIONS, BENIGN FAMILIAL INFANTILE, 3; Familial neonatal seizures. Identifiers: Orphanet 140927, Orphanet 306, MedGen C1843140, MONDO:0011904, OMIM 607745.

Submissions (2):

GeneDx
Classification: Uncertain significance. Last evaluated: 2023-08-24. Review status: criteria provided, single submitter. Criteria: GeneDx Variant Classification Process June 2021. Collection method: clinical testing. Allele origin: germline. Affected: yes.
Comment: Not observed at significant frequency in large population cohorts (gnomAD); Missense variants in this gene are often considered pathogenic (HGMD); This substitution is predicted to be in the cytoplasmic loop between the second and third homologous domains; In silico analysis supports that this missense variant does not alter protein structure/function; Has not been previously published as pathogenic or benign to our knowledge

Labcorp Genetics (formerly Invitae), Labcorp
Classification: Uncertain significance for Seizures, benign familial infantile, 3; Developmental and epileptic encephalopathy, 11. Last evaluated: 2022-10-17. Review status: criteria provided, single submitter. Criteria: Invitae Variant Classification Sherloc (09022015). Collection method: clinical testing. Allele origin: germline.
Comment: This sequence change replaces isoleucine, which is neutral and non-polar, with methionine, which is neutral and non-polar, at codon 1186 of the SCN2A protein (p.Ile1186Met). In summary, the available evidence is currently insufficient to determine the role of this variant in disease. Therefore, it has been classified as a Variant of Uncertain Significance. Advanced modeling of protein sequence and biophysical properties (such as structural, functional, and spatial information, amino acid conservation, physicochemical variation, residue mobility, and thermodynamic stability) has been performed at Invitae for this missense variant, however the output from this modeling did not meet the statistical confidence thresholds required to predict the impact of this variant on SCN2A protein function. ClinVar contains an entry for this variant (Variation ID: 1320428). This variant has not been reported in the literature in individuals affected with SCN2A-related conditions. This variant is not present in population databases (gnomAD no frequency).